The following is an entry in ClinVar:

NM_020937.4(FANCM):c.196C>G (p.Arg66Gly)

Gene: FANCM (FA complementation group M; plus strand). Cytogenetic location: 14q21.2.
Variant type: single nucleotide variant.
Coding change: c.196C>G on transcript NM_020937.4 (MANE Select); coding-DNA position 196, C replaced by G.
Protein change: p.Arg66Gly; replaces arginine 66 with glycine.
Molecular consequence: missense variant.
Genome position (GRCh38, 1-based): chr14:45,136,227, C>G. VCF-style: chr14-45136227-C-G. GRCh37 (hg19) VCF-style: chr14-45605430-C-G.
Other names: c.196C>G, p.Arg66Gly (NM_001308133.2, NM_001308134.2); short protein forms R66G.
Identifiers: ClinVar variation 4871084 (VCV004871084.1).

ClinVar aggregate classification (germline): Uncertain significance (1 of 4 stars; one submission).

Conditions:
Inborn genetic diseases. Identifiers: MedGen C0950123, MeSH D030342.

Submission:

Ambry Genetics
Classification: Uncertain significance for Inborn genetic diseases. Last evaluated: 2026-04-15. Review status: criteria provided, single submitter. Criteria: Ambry Variant Classification Scheme 2023. Collection method: clinical testing. Allele origin: germline.
Comment: The p.R66G variant (also known as c.196C>G), located in coding exon 1 of the FANCM gene, results from a C to G substitution at nucleotide position 196. The arginine at codon 66 is replaced by glycine, an amino acid with dissimilar properties. This amino acid position is conserved. In addition, this alteration is predicted to be tolerated by in silico analysis. Based on the available evidence, the clinical significance of this variant remains unclear.